The following is an entry in ClinVar:

NM_014319.5(LEMD3):c.957T>A (p.Asn319Lys)

Gene: LEMD3 (LEM domain containing 3; plus strand). Cytogenetic location: 12q14.3.
Variant type: single nucleotide variant.
Coding change: c.957T>A on transcript NM_014319.5 (MANE Select); coding-DNA position 957, T replaced by A.
Protein change: p.Asn319Lys; replaces asparagine 319 with lysine.
Molecular consequence: missense variant.
Genome position (GRCh38, 1-based): chr12:65,170,553, T>A. VCF-style: chr12-65170553-T-A. GRCh37 (hg19) VCF-style: chr12-65564333-T-A.
Other names: c.957T>A, p.Asn319Lys (NM_001167614.2); short protein forms N319K.
Identifiers: ClinVar variation 3698769 (VCV003698769.2).

ClinVar aggregate classification (germline): Uncertain significance (1 of 4 stars; one submission).

Submission:

Labcorp Genetics (formerly Invitae), Labcorp
Classification: Uncertain significance. Last evaluated: 2024-03-03. Review status: criteria provided, single submitter. Criteria: Invitae Variant Classification Sherloc (09022015). Collection method: clinical testing. Allele origin: germline.
Comment: This sequence change replaces asparagine, which is neutral and polar, with lysine, which is basic and polar, at codon 319 of the LEMD3 protein (p.Asn319Lys). This variant is not present in population databases (gnomAD no frequency). This variant has not been reported in the literature in individuals affected with LEMD3-related conditions. Advanced modeling of protein sequence and biophysical properties (such as structural, functional, and spatial information, amino acid conservation, physicochemical variation, residue mobility, and thermodynamic stability) performed at Invitae indicates that this missense variant is not expected to disrupt LEMD3 protein function with a negative predictive value of 80%. In summary, the available evidence is currently insufficient to determine the role of this variant in disease. Therefore, it has been classified as a Variant of Uncertain Significance.